The following is an entry in ClinVar:

NM_006904.7(PRKDC):c.4062A>C (p.Glu1354Asp)

Gene: PRKDC (protein kinase, DNA-activated, catalytic subunit; minus strand). Cytogenetic location: 8q11.21.
Variant type: single nucleotide variant.
Coding change: c.4062A>C on transcript NM_006904.7 (MANE Select); coding-DNA position 4062, A replaced by C.
Protein change: p.Glu1354Asp; replaces glutamic acid 1354 with aspartic acid.
Molecular consequence: missense variant.
Genome position (GRCh38, 1-based): chr8:47,890,266, T>G on the plus strand (A>C on the coding strand, the complement: PRKDC is on the minus strand). VCF-style: chr8-47890266-T-G. GRCh37 (hg19) VCF-style: chr8-48802827-T-G.
Other names: c.4062A>C, p.Glu1354Asp (NM_001081640.2); short protein forms E1354D.
Identifiers: ClinVar variation 3393661 (VCV003393661.1).

ClinVar aggregate classification (germline): Uncertain significance (1 of 4 stars; one submission).

Submission:

GeneDx
Classification: Uncertain significance. Last evaluated: 2024-07-02. Review status: criteria provided, single submitter. Criteria: GeneDx Variant Classification Process June 2021. Collection method: clinical testing. Allele origin: germline. Affected: yes.
Comment: Not observed at significant frequency in large population cohorts (gnomAD); In silico analysis indicates that this missense variant does not alter protein structure/function; Has not been previously published as pathogenic or benign to our knowledge